The following is an entry in ClinVar:

ClinVar aggregate classification (germline): Benign (1 of 4 stars; one submission).

gnomAD v4.1: 339 of 1,609,770 alleles (0.021%); highest among the groups gnomAD compares: East Asian, 0.45%; 3 homozygotes.

Submission:

Women's Health and Genetics/Laboratory Corporation of America, LabCorp
Classification: Benign. Last evaluated: 2026-01-29. Review status: criteria provided, single submitter. Criteria: LabCorp Variant Classification Summary - May 2015. Collection method: clinical testing. Allele origin: germline.
Comment: Variant summary: IKZF2 c.768A>G alters a conserved nucleotide resulting in a synonymous change. Consensus agreement among computation tools predict no significant impact on normal splicing. However, these predictions have yet to be confirmed by functional studies. The variant allele was found at a frequency of 0.00067 in 248908 control chromosomes, predominantly at a frequency of 0.0077 within the East Asian subpopulation in the gnomAD database, including 1 homozygotes. The observed variant frequency within East Asian control individuals in the gnomAD database exceeds the estimated maximal expected allele frequency for disease-causing variants in IKZF2. To our knowledge, no occurrence of c.768A>G in individuals affected with IKZF2-related conditions and no experimental evidence demonstrating its impact on protein function have been reported. No submitters have cited clinical-significance assessments for this variant to ClinVar. Based on the evidence outlined above, the variant was classified as benign.

NM_001387220.1(IKZF2):c.846A>G (p.Gln282=)

Gene: IKZF2 (IKAROS family zinc finger 2; minus strand). Cytogenetic location: 2q34.
Variant type: single nucleotide variant.
Coding change: c.846A>G on transcript NM_001387220.1 (MANE Select); coding-DNA position 846, A replaced by G.
Protein change: p.Gln282=; no amino-acid change (glutamine 282 retained).
Molecular consequence: synonymous variant. On other transcripts: intron variant (1).
Genome position (GRCh38, 1-based): chr2:213,013,801, T>C on the plus strand (A>G on the coding strand, the complement: IKZF2 is on the minus strand). VCF-style: chr2-213013801-T-C. GRCh37 (hg19) VCF-style: chr2-213878525-T-C.
Other names: c.768A>G, p.Gln256= (NM_001079526.2, NM_001371275.1, NM_001371276.1); c.846A>G, p.Gln282= (NM_001371274.1, NM_016260.3); c.632-5717A>G (NM_001371277.1).
Identifiers: ClinVar variation 4689071 (VCV004689071.1).